The following is an entry in ClinVar:

ClinVar aggregate classification (germline): Uncertain significance (1 of 4 stars; one submission).

gnomAD v4.1: 1 of 1,597,312 alleles (0.000063%); highest among the groups gnomAD compares: Non-Finnish European, 0.000086%; no homozygotes.

Submission:

Labcorp Genetics (formerly Invitae), Labcorp
Classification: Uncertain significance. Last evaluated: 2022-07-12. Review status: criteria provided, single submitter. Criteria: Invitae Variant Classification Sherloc (09022015). Collection method: clinical testing. Allele origin: germline.
Comment: This variant is not present in population databases (gnomAD no frequency). In summary, the available evidence is currently insufficient to determine the role of this variant in disease. Therefore, it has been classified as a Variant of Uncertain Significance. Algorithms developed to predict the effect of missense changes on protein structure and function (SIFT, PolyPhen-2, Align-GVGD) all suggest that this variant is likely to be tolerated. ClinVar contains an entry for this variant (Variation ID: 1391201). This variant has not been reported in the literature in individuals affected with LOXL3-related conditions. This sequence change replaces threonine, which is neutral and polar, with alanine, which is neutral and non-polar, at codon 104 of the LOXL3 protein (p.Thr104Ala).

NM_032603.5(LOXL3):c.310A>G (p.Thr104Ala)

Genes: DOK1 (docking protein 1; plus strand), LOXL3 (lysyl oxidase like 3; minus strand). Cytogenetic location: 2p13.1.
Variant type: single nucleotide variant.
Coding change: c.310A>G on transcript NM_032603.5 (MANE Select); coding-DNA position 310, A replaced by G.
Protein change: p.Thr104Ala; replaces threonine 104 with alanine.
Molecular consequence: missense variant. On other transcripts: intron variant (1).
Genome position (GRCh38, 1-based): chr2:74,552,325, T>C on the plus strand (A>G on the coding strand, the complement: LOXL3 is on the minus strand). VCF-style: chr2-74552325-T-C. GRCh37 (hg19) VCF-style: chr2-74779452-T-C.
Other names: c.310A>G, p.Thr104Ala (NM_001289164.3); c.-357-2829T>C (NM_001197260.2); short protein forms T104A.
Identifiers: ClinVar variation 1391201 (VCV001391201.9), dbSNP rs2104452549, ClinGen allele CA347396651.
Genomic context (GRCh38, chr2:74,552,325, plus strand): 5'-CCCTGCACTTTGGCCACACATAGGAAATATCTAGGATATGCCTGGATCATTGCTCACCTG[T>C]TCCAGGGCCATATTTGGCACTGTGGGTCCAGCCTGTGGCCTCTGTGAAGCCCAGCTCCCG-3'
Protein context (NP_115992.1, residues 94-114): WTHSAKYGPG[Thr104Ala]GRIWLDNLSC